The following is an entry in ClinVar:

ClinVar aggregate classification (germline): Uncertain significance (1 of 4 stars; one submission).

Conditions:
Dilated cardiomyopathy 1W (CMD1W). Identifiers: Orphanet 154, MedGen C1969639, MONDO:0012667, OMIM 611407.

Allele frequency attached by ClinVar (database versions not stated): gnomAD exomes below 0.00001.
gnomAD v4.1: 1 of 1,529,690 alleles (0.000065%); highest among the groups gnomAD compares: Non-Finnish European, 0.000088%; no homozygotes.

Submission:

Labcorp Genetics (formerly Invitae), Labcorp
Classification: Uncertain significance for Dilated cardiomyopathy 1W. Last evaluated: 2022-04-12. Review status: criteria provided, single submitter. Criteria: Invitae Variant Classification Sherloc (09022015). Collection method: clinical testing. Allele origin: germline.
Comment: This variant is not present in population databases (gnomAD no frequency). In summary, the available evidence is currently insufficient to determine the role of this variant in disease. Therefore, it has been classified as a Variant of Uncertain Significance. Algorithms developed to predict the effect of missense changes on protein structure and function are either unavailable or do not agree on the potential impact of this missense change (SIFT: "Not Available"; PolyPhen-2: "Benign"; Align-GVGD: "Not Available"). This variant has not been reported in the literature in individuals affected with VCL-related conditions. This sequence change replaces arginine, which is basic and polar, with glutamine, which is neutral and polar, at codon 56 of the VCL protein (p.Arg56Gln).

NM_014000.3(VCL):c.167G>A (p.Arg56Gln)

Gene: VCL (vinculin; plus strand). Cytogenetic location: 10q22.2.
Variant type: single nucleotide variant.
Coding change: c.167G>A on transcript NM_014000.3 (MANE Select); coding-DNA position 167, G replaced by A.
Protein change: p.Arg56Gln; replaces arginine 56 with glutamine.
Molecular consequence: missense variant.
Genome position (GRCh38, 1-based): chr10:73,998,374, G>A. VCF-style: chr10-73998374-G-A. GRCh37 (hg19) VCF-style: chr10-75758132-G-A.
Other names: c.167G>A, p.Arg56Gln (NM_003373.4); short protein forms R56Q.
Identifiers: ClinVar variation 2193201 (VCV002193201.4), dbSNP rs1840155750, ClinGen allele CA377255552.